The following is an entry in ClinVar:

NM_015047.3(EMC1):c.2353G>A (p.Val785Met)

Genes: EMC1 (ER membrane protein complex subunit 1; minus strand), EMC1-AS1 (EMC1 antisense RNA 1; plus strand). Cytogenetic location: 1p36.13.
Variant type: single nucleotide variant.
Coding change: c.2353G>A on transcript NM_015047.3 (MANE Select); coding-DNA position 2353, G replaced by A.
Protein change: p.Val785Met; replaces valine 785 with methionine.
Molecular consequence: missense variant.
Genome position (GRCh38, 1-based): chr1:19,223,419, C>T on the plus strand (G>A on the coding strand, the complement: EMC1 is on the minus strand). VCF-style: chr1-19223419-C-T. GRCh37 (hg19) VCF-style: chr1-19549913-C-T.
Other names: c.2350G>A, p.Val784Met (NM_001271427.2, NM_001271428.2); c.2287G>A, p.Val763Met (NM_001271429.2); c.2362G>A, p.Val788Met (NM_001375820.1); c.2359G>A, p.Val787Met (NM_001375821.1); short protein forms V763M, V784M, V785M, V787M, V788M.
Identifiers: ClinVar variation 1053316 (VCV001053316.8), dbSNP rs770588339, ClinGen allele CA652316.

ClinVar aggregate classification (germline): Uncertain significance (1 of 4 stars; one submission).

gnomAD v4.1: 6 of 1,613,964 alleles (0.00037%); highest among the groups gnomAD compares: African/African-American, 0.0053%; no homozygotes.

Submission:

Labcorp Genetics (formerly Invitae), Labcorp
Classification: Uncertain significance. Last evaluated: 2025-11-06. Review status: criteria provided, single submitter. Criteria: Invitae Variant Classification Sherloc (09022015). Collection method: clinical testing. Allele origin: germline.
Comment: This sequence change replaces valine, which is neutral and non-polar, with methionine, which is neutral and non-polar, at codon 785 of the EMC1 protein (p.Val785Met). This variant is present in population databases (rs770588339, gnomAD 0.007%). This variant has not been reported in the literature in individuals affected with EMC1-related conditions. ClinVar contains an entry for this variant (Variation ID: 1053316). Invitae Evidence Modeling of protein sequence and biophysical properties (such as structural, functional, and spatial information, amino acid conservation, physicochemical variation, residue mobility, and thermodynamic stability) indicates that this missense variant is expected to disrupt EMC1 protein function with a positive predictive value of 80%. In summary, the available evidence is currently insufficient to determine the role of this variant in disease. Therefore, it has been classified as a Variant of Uncertain Significance.